The following is an entry in ClinVar:

ClinVar aggregate classification (germline): Uncertain significance (1 of 4 stars; one submission).

Conditions:
Epileptic encephalopathy. Identifiers: MedGen C0543888, HP:0200134.

Submission:

Labcorp Genetics (formerly Invitae), Labcorp
Classification: Uncertain significance for Epileptic encephalopathy. Last evaluated: 2022-08-31. Review status: criteria provided, single submitter. Criteria: Invitae Variant Classification Sherloc (09022015). Collection method: clinical testing. Allele origin: germline.
Comment: In summary, the available evidence is currently insufficient to determine the role of this variant in disease. Therefore, it has been classified as a Variant of Uncertain Significance. Algorithms developed to predict the effect of sequence changes on RNA splicing suggest that this variant may disrupt the consensus splice site. Experimental studies and prediction algorithms are not available or were not evaluated, and the functional significance of this variant is currently unknown. ClinVar contains an entry for this variant (Variation ID: 531021). This variant has not been reported in the literature in individuals affected with RYR3-related conditions. This variant is not present in population databases (gnomAD no frequency). This variant, c.10785_10796del, results in the deletion of 4 amino acid(s) of the RYR3 protein (p.Glu3595_Glu3598del), but otherwise preserves the integrity of the reading frame.

NM_001036.6(RYR3):c.10785_10796del (p.Glu3595_Glu3598del)

Gene: RYR3 (ryanodine receptor 3; plus strand). Cytogenetic location: 15q14.
Variant type: Deletion.
Coding change: c.10785_10796del on transcript NM_001036.6 (MANE Select); coding-DNA positions 10785 to 10796, 12 bases deleted (AGAAGATGAAGA).
Protein change: p.Glu3595_Glu3598del.
Molecular consequence: inframe deletion.
Genome position (GRCh38, 1-based): chr15:33,820,782-33,820,793, AGAAGATGAAGA deleted; deleting any 12 consecutive bases within chr15:33,820,774-33,820,793 gives the same sequence; the c. name uses the placement nearest the transcript's 3' end. VCF-style (leftmost placement, unchanged base first): chr15-33820773-GGATGAAGAAGAA-G. GRCh37 (hg19) VCF-style: chr15-34112974-GGATGAAGAAGAA-G.
Other names: c.10770_10781del, p.Glu3590_Glu3593del (NM_001243996.4).
Identifiers: ClinVar variation 531021 (VCV000531021.8), dbSNP rs1415731316, ClinGen allele CA658798300.
Genomic context (GRCh38, chr15:33,820,773, plus strand): 5'-TTTGATTGTCTGTCTTCTCCCTTCCCTGCTCCATGAAATCCAGAGTTGTCAAAGTGGTGA[GGATGAAGAAGAA>G]GATGAAGACAAGGAAAAAACATTCGAAGTAAGTTCTCATGAAGAATAAAAATAGAGCCAC-3'